The following is an entry in ClinVar:

ClinVar aggregate classification (germline): Uncertain significance (1 of 4 stars; one submission).

Conditions:
Inborn genetic diseases. Identifiers: MedGen C0950123, MeSH D030342.

gnomAD v4.1: 2 of 1,560,272 alleles (0.00013%); highest among the groups gnomAD compares: African/African-American, 0.0027%; no homozygotes.

Submission:

Ambry Genetics
Classification: Uncertain significance for Inborn genetic diseases. Last evaluated: 2026-02-16. Review status: criteria provided, single submitter. Criteria: Ambry Variant Classification Scheme 2023. Collection method: clinical testing. Allele origin: germline.
Comment: The p.E1330Q variant (also known as c.3988G>C), located in coding exon 28 of the ANKRD26 gene, results from a G to C substitution at nucleotide position 3988. The glutamic acid at codon 1330 is replaced by glutamine, an amino acid with highly similar properties. This amino acid position is conserved. In addition, this alteration is predicted to be tolerated by in silico analysis. Based on the available evidence, the clinical significance of this variant remains unclear.

NM_014915.3(ANKRD26):c.3988G>C (p.Glu1330Gln)

Gene: ANKRD26 (ankyrin repeat domain 26; minus strand). Cytogenetic location: 10p12.1.
Variant type: single nucleotide variant.
Coding change: c.3988G>C on transcript NM_014915.3 (MANE Select); coding-DNA position 3988, G replaced by C.
Protein change: p.Glu1330Gln; replaces glutamic acid 1330 with glutamine.
Molecular consequence: missense variant.
Genome position (GRCh38, 1-based): chr10:27,024,544, C>G on the plus strand (G>C on the coding strand, the complement: ANKRD26 is on the minus strand). VCF-style: chr10-27024544-C-G. GRCh37 (hg19) VCF-style: chr10-27313473-C-G.
Other names: c.3985G>C, p.Glu1329Gln (NM_001256053.2); short protein forms E1330Q, E1329Q.
Identifiers: ClinVar variation 4845150 (VCV004845150.1).